The following is an entry in ClinVar:

ClinVar aggregate classification (germline): Likely pathogenic (1 of 4 stars; one submission).

Conditions:
Autosomal dominant Alport syndrome (ATS3A). Also called: Alport syndrome dominant type; Renal failure and sensorineural hearing loss; ALPORT SYNDROME 3A, AUTOSOMAL DOMINANT. Identifiers: Orphanet 63, Orphanet 88918, MedGen C5882663, MONDO:0007086, OMIM 104200.

Allele frequency attached by ClinVar (database versions not stated): gnomAD exomes below 0.00001.
gnomAD v4.1: 2 of 1,612,724 alleles (0.00012%); highest among the groups gnomAD compares: Non-Finnish European, 0.00017%; no homozygotes.

Submission:

Institute of Human Genetics, University of Leipzig Medical Center
Classification: Likely pathogenic for Autosomal dominant Alport syndrome. Last evaluated: 2024-01-04. Review status: criteria provided, single submitter. Criteria: ACMG Guidelines, 2015. Collection method: clinical testing. Allele origin: unknown. Inheritance: Autosomal dominant inheritance. Affected: yes.
Comment: Criteria applied: PM1_STR,PM2_SUP,PM5_SUP

NM_000092.5(COL4A4):c.3389G>T (p.Gly1130Val)

Gene: COL4A4 (collagen type IV alpha 4 chain; minus strand). Cytogenetic location: 2q36.3.
Variant type: single nucleotide variant.
Coding change: c.3389G>T on transcript NM_000092.5 (MANE Select); coding-DNA position 3389, G replaced by T.
Protein change: p.Gly1130Val; replaces glycine 1130 with valine.
Molecular consequence: missense variant.
Genome position (GRCh38, 1-based): chr2:227,043,085, C>A on the plus strand (G>T on the coding strand, the complement: COL4A4 is on the minus strand). VCF-style: chr2-227043085-C-A. GRCh37 (hg19) VCF-style: chr2-227907801-C-A.
Other names: short protein forms G1130V.
Identifiers: ClinVar variation 2691896 (VCV002691896.2), dbSNP rs2473714807, ClinGen allele CA350838404.